The following is an entry in ClinVar:

ClinVar aggregate classification (germline): Pathogenic. Review status: reviewed by expert panel (3 of 4 stars). 7 submissions from 6 submitters: Pathogenic (1). 6 of the submissions do not count toward it. Last evaluated 2016-10-18.

Conditions:
Hereditary cancer-predisposing syndrome. Also called: Tumor predisposition; Neoplastic Syndromes, Hereditary; Hereditary neoplastic syndrome; Hereditary Cancer Syndrome. Identifiers: Orphanet 140162, MedGen C0027672, MeSH D009386, MONDO:0015356.
Hereditary breast ovarian cancer syndrome. Also called: Hereditary breast and ovarian cancer; Hereditary breast and ovarian cancer syndrome (HBOC); Hereditary breast and ovarian cancer syndrome; BRCA1- and BRCA2-Associated Hereditary Breast and Ovarian Cancer; Breast and ovarian cancer; Hereditary breast and/or ovarian cancer syndrome. Identifiers: Orphanet 145, MedGen C0677776, MeSH D061325, MONDO:0003582. Disease mechanism: loss of function.
Breast-ovarian cancer, familial, susceptibility to, 2 (BROVCA2). Also called: BRCA2 Hereditary Breast and Ovarian Cancer. Identifiers: Orphanet 145, MedGen C2675520, MONDO:0012933, OMIM 612555. Disease mechanism: loss of function.
Familial cancer of breast. Also called: BREAST CANCER, FAMILIAL; hereditary breast carcinoma; Hereditary breast cancer. Identifiers: Orphanet 227535, MedGen C0346153, MONDO:0016419, OMIM 114480. Disease mechanism: loss of function.

Submissions (7):

Evidence-based Network for the Interpretation of Germline Mutant Alleles (ENIGMA)
Classification: Pathogenic for Breast-ovarian cancer, familial, susceptibility to, 2. Last evaluated: 2016-10-18. Review status: reviewed by expert panel. Criteria: ENIGMA BRCA1/2 Classification Criteria (2015). Collection method: curation. Allele origin: germline.
Comment: Variant allele predicted to encode a truncated non-functional protein.

Ambry Genetics
Classification: Pathogenic for Hereditary cancer-predisposing syndrome. Last evaluated: 2024-05-02. Review status: criteria provided, single submitter. Criteria: Ambry Variant Classification Scheme 2023. Collection method: clinical testing. Allele origin: germline. Not counted in ClinVar's aggregate classification.
Comment: The p.W2830* pathogenic mutation (also known as c.8490G>A), located in coding exon 19 of the BRCA2 gene, results from a G to A substitution at nucleotide position 8490. This changes the amino acid from a tryptophan to a stop codon within coding exon 19. This variant was reported in individual(s) with features consistent with BRCA2-related hereditary breast and ovarian cancer syndrome (Yassaee VR et al. Asian Pac J Cancer Prev, 2016;17:149-53). This variant is considered to be rare based on population cohorts in the Genome Aggregation Database (gnomAD). In addition to the clinical data presented in the literature, this alteration is expected to result in loss of function by premature protein truncation or nonsense-mediated mRNA decay. As such, this alteration is interpreted as a disease-causing mutation.

Labcorp Genetics (formerly Invitae), Labcorp
Classification: Pathogenic for Hereditary breast ovarian cancer syndrome. Last evaluated: 2021-12-17. Review status: criteria provided, single submitter. Criteria: Invitae Variant Classification Sherloc (09022015). Collection method: clinical testing. Allele origin: germline. Not counted in ClinVar's aggregate classification.
Comment: For these reasons, this variant has been classified as Pathogenic. ClinVar contains an entry for this variant (Variation ID: 155722). This premature translational stop signal has been observed in individual(s) with breast cancer (PMID: 26026974, 27165220, 29446198). This variant is not present in population databases (gnomAD no frequency). This sequence change creates a premature translational stop signal (p.Trp2830*) in the BRCA2 gene. It is expected to result in an absent or disrupted protein product. Loss-of-function variants in BRCA2 are known to be pathogenic (PMID: 20104584).

Quest Diagnostics Nichols Institute San Juan Capistrano
Classification: Pathogenic. Last evaluated: 2018-05-18. Review status: criteria provided, single submitter. Criteria: Quest Diagnostics criteria. Collection method: clinical testing. Allele origin: germline. Not counted in ClinVar's aggregate classification.

Genomic Research Center, Shahid Beheshti University of Medical Sciences
Classification: Pathogenic for Breast-ovarian cancer, familial, susceptibility to, 2. Last evaluated: 2017-12-03. Review status: criteria provided, single submitter. Criteria: ACMG Guidelines, 2015. Collection method: clinical testing. Allele origin: inherited. Affected: yes. Not counted in ClinVar's aggregate classification.

Consortium of Investigators of Modifiers of BRCA1/2 (CIMBA), c/o University of Cambridge
Classification: Pathogenic for Breast-ovarian cancer, familial, susceptibility to, 2. Last evaluated: 2015-10-02. Review status: criteria provided, single submitter. Criteria: CIMBA Mutation Classification guidelines May 2016. Collection method: clinical testing. Allele origin: germline. Not counted in ClinVar's aggregate classification.

Genomic Research Center, Shahid Beheshti University of Medical Sciences
Classification: Pathogenic for Familial cancer of breast. Review status: no assertion criteria provided. Collection method: not provided. Allele origin: somatic. Not counted in ClinVar's aggregate classification.
ClinVar note: Converted during submission from pathogenic to Pathogenic.

Literature cited by the submitters: PubMed 27165220 (cited by Ambry Genetics and Labcorp Genetics (formerly Invitae), Labcorp); PubMed 26026974 (cited by Labcorp Genetics (formerly Invitae), Labcorp); PubMed 29446198 (cited by Labcorp Genetics (formerly Invitae), Labcorp); PubMed 20104584 (cited by Labcorp Genetics (formerly Invitae), Labcorp).

NM_000059.4(BRCA2):c.8490G>A (p.Trp2830Ter)

Gene: BRCA2 (BRCA2 DNA repair associated; plus strand). Cytogenetic location: 13q13.1.
Variant type: single nucleotide variant.
Coding change: c.8490G>A on transcript NM_000059.4 (MANE Select); coding-DNA position 8490, G replaced by A.
Protein change: p.Trp2830Ter; replaces tryptophan 2830 with a stop codon.
Molecular consequence: nonsense.
Genome position (GRCh38, 1-based): chr13:32,370,958, G>A. VCF-style: chr13-32370958-G-A. GRCh37 (hg19) VCF-style: chr13-32945095-G-A.
Other names: 8718G/A; short protein forms W2830*.
Identifiers: ClinVar variation 155722 (VCV000155722.15), dbSNP rs587776351, ClinGen allele CA025681.
Genomic context (GRCh38, chr13:32,370,958, plus strand): 5'-CAATTAACTTGAATGTTATATATGTGACTTTTTTGGTGTGTGTAACACATTATTACAGTG[G>A]ATGGAGAAGACATCATCTGGATTATACATATTTCGCAATGAAAGAGAGGAAGAAAAGGAA-3'